The following is an entry in ClinVar:

NM_012123.4(MTO1):c.242T>G (p.Phe81Cys)

Gene: MTO1 (mitochondrial tRNA translation optimization 1; plus strand). Cytogenetic location: 6q13.
Variant type: single nucleotide variant.
Coding change: c.242T>G on transcript NM_012123.4 (MANE Select); coding-DNA position 242, T replaced by G.
Protein change: p.Phe81Cys; replaces phenylalanine 81 with cysteine.
Molecular consequence: missense variant.
Genome position (GRCh38, 1-based): chr6:73,466,233, T>G. VCF-style: chr6-73466233-T-G. GRCh37 (hg19) VCF-style: chr6-74175956-T-G.
Other names: c.242T>G, p.Phe81Cys (NM_001123226.2, NM_133645.3); short protein forms F81C.
Identifiers: ClinVar variation 2965568 (VCV002965568.3), dbSNP rs2533244911, ClinGen allele CA364712506.

ClinVar aggregate classification (germline): Uncertain significance (1 of 4 stars; one submission).

Conditions:
Mitochondrial hypertrophic cardiomyopathy with lactic acidosis due to MTO1 deficiency. Also called: Combined oxidative phosphorylation deficiency 10; CARDIOMYOPATHY, INFANTILE HYPERTROPHIC MITOCHONDRIAL, AND LACTIC ACIDOSIS. Identifiers: Orphanet 314637, MedGen C4749921, MONDO:0013865, OMIM 614702.

Allele frequency attached by ClinVar (database versions not stated): gnomAD exomes below 0.00001.
gnomAD v4.1: 1 of 1,613,892 alleles (0.000062%); highest among the groups gnomAD compares: Non-Finnish European, 0.000085%; no homozygotes.

Submission:

Labcorp Genetics (formerly Invitae), Labcorp
Classification: Uncertain significance for Mitochondrial hypertrophic cardiomyopathy with lactic acidosis due to MTO1 deficiency. Last evaluated: 2024-11-05. Review status: criteria provided, single submitter. Criteria: Invitae Variant Classification Sherloc (09022015). Collection method: clinical testing. Allele origin: germline.
Comment: This sequence change replaces phenylalanine, which is neutral and non-polar, with cysteine, which is neutral and slightly polar, at codon 81 of the MTO1 protein (p.Phe81Cys). This variant is not present in population databases (gnomAD no frequency). This variant has not been reported in the literature in individuals affected with MTO1-related conditions. ClinVar contains an entry for this variant (Variation ID: 2965568). Invitae Evidence Modeling of protein sequence and biophysical properties (such as structural, functional, and spatial information, amino acid conservation, physicochemical variation, residue mobility, and thermodynamic stability) has been performed for this missense variant. However, the output from this modeling did not meet the statistical confidence thresholds required to predict the impact of this variant on MTO1 protein function. In summary, the available evidence is currently insufficient to determine the role of this variant in disease. Therefore, it has been classified as a Variant of Uncertain Significance.